The following is an entry in ClinVar:

NM_006204.4(PDE6C):c.1123G>A (p.Gly375Arg)

Gene: PDE6C (phosphodiesterase 6C; plus strand). Cytogenetic location: 10q23.33.
Variant type: single nucleotide variant.
Coding change: c.1123G>A on transcript NM_006204.4 (MANE Select); coding-DNA position 1123, G replaced by A.
Protein change: p.Gly375Arg; replaces glycine 375 with arginine.
Molecular consequence: missense variant.
Genome position (GRCh38, 1-based): chr10:93,634,761, G>A. VCF-style: chr10-93634761-G-A. GRCh37 (hg19) VCF-style: chr10-95394518-G-A.
Other names: short protein forms G375R.
Identifiers: ClinVar variation 3644920 (VCV003644920.2).

ClinVar aggregate classification (germline): Uncertain significance (1 of 4 stars; one submission).

Submission:

Labcorp Genetics (formerly Invitae), Labcorp
Classification: Uncertain significance. Last evaluated: 2024-03-07. Review status: criteria provided, single submitter. Criteria: Invitae Variant Classification Sherloc (09022015). Collection method: clinical testing. Allele origin: germline.
Comment: This sequence change replaces glycine, which is neutral and non-polar, with arginine, which is basic and polar, at codon 375 of the PDE6C protein (p.Gly375Arg). This variant is not present in population databases (gnomAD no frequency). This variant has not been reported in the literature in individuals affected with PDE6C-related conditions. Advanced modeling of protein sequence and biophysical properties (such as structural, functional, and spatial information, amino acid conservation, physicochemical variation, residue mobility, and thermodynamic stability) performed at Invitae indicates that this missense variant is not expected to disrupt PDE6C protein function with a negative predictive value of 80%. In summary, the available evidence is currently insufficient to determine the role of this variant in disease. Therefore, it has been classified as a Variant of Uncertain Significance.